The following is an entry in ClinVar:

NM_002691.4(POLD1):c.1928G>A (p.Gly643Glu)

Gene: POLD1 (DNA polymerase delta 1, catalytic subunit; plus strand). Cytogenetic location: 19q13.33.
Variant type: single nucleotide variant.
Coding change: c.1928G>A on transcript NM_002691.4 (MANE Select); coding-DNA position 1928, G replaced by A.
Protein change: p.Gly643Glu; replaces glycine 643 with glutamic acid.
Molecular consequence: missense variant. On other transcripts: non-coding transcript variant (1).
Genome position (GRCh38, 1-based): chr19:50,409,157, G>A. VCF-style: chr19-50409157-G-A. GRCh37 (hg19) VCF-style: chr19-50912414-G-A.
Other names: c.1928G>A, p.Gly643Glu (NM_001256849.1); c.2006G>A, p.Gly669Glu (NM_001308632.1); c.1928G>A (NM_002691.2); short protein forms G643E, G669E.
Identifiers: ClinVar variation 1009470 (VCV001009470.9), dbSNP rs2039004596, ClinGen allele CA406982260.

ClinVar aggregate classification (germline): Uncertain significance. Review status: criteria provided, multiple submitters, no conflicts (2 of 4 stars). 2 submissions from 2 submitters: Uncertain significance (2). Last evaluated 2025-07-21.

Conditions:
POLD1-related polyposis and colorectal cancer syndrome (CRCS10). Also called: Colorectal cancer 10; COLORECTAL CANCER, SUSCEPTIBILITY TO, ON CHROMOSOME 19q; Colorectal cancer, susceptibility to, 10. Identifiers: Orphanet 220460, MedGen C2675481, MONDO:0012953, OMIM 612591.
Hereditary cancer-predisposing syndrome. Also called: Tumor predisposition; Hereditary Cancer Syndrome; Hereditary neoplastic syndrome; Neoplastic Syndromes, Hereditary. Identifiers: Orphanet 140162, MedGen C0027672, MeSH D009386, MONDO:0015356.

Submissions (2):

Labcorp Genetics (formerly Invitae), Labcorp
Classification: Uncertain significance for POLD1-related polyposis and colorectal cancer syndrome. Last evaluated: 2025-07-21. Review status: criteria provided, single submitter. Criteria: Invitae Variant Classification Sherloc (09022015). Collection method: clinical testing. Allele origin: germline.
Comment: This sequence change replaces glycine, which is neutral and non-polar, with glutamic acid, which is acidic and polar, at codon 643 of the POLD1 protein (p.Gly643Glu). This variant is not present in population databases (gnomAD no frequency). This variant has not been reported in the literature in individuals affected with POLD1-related conditions. ClinVar contains an entry for this variant (Variation ID: 1009470). Invitae Evidence Modeling of protein sequence and biophysical properties (such as structural, functional, and spatial information, amino acid conservation, physicochemical variation, residue mobility, and thermodynamic stability) indicates that this missense variant is not expected to disrupt POLD1 protein function with a negative predictive value of 80%. In summary, the available evidence is currently insufficient to determine the role of this variant in disease. Therefore, it has been classified as a Variant of Uncertain Significance.

Ambry Genetics
Classification: Uncertain significance for Hereditary cancer-predisposing syndrome. Last evaluated: 2025-06-09. Review status: criteria provided, single submitter. Criteria: Ambry Variant Classification Scheme 2023. Collection method: clinical testing. Allele origin: germline.
Comment: The p.G643E variant (also known as c.1928G>A), located in coding exon 15 of the POLD1 gene, results from a G to A substitution at nucleotide position 1928. The glycine at codon 643 is replaced by glutamic acid, an amino acid with similar properties. This amino acid position is conserved. In addition, the in silico prediction for this alteration is inconclusive. Based on the available evidence, the clinical significance of this variant remains unclear.